The following is an entry in ClinVar:

NM_013275.6(ANKRD11):c.3730AAG[1] (p.Lys1245del)

Gene: ANKRD11 (ankyrin repeat domain 11; minus strand). Cytogenetic location: 16q24.3.
Variant type: Microsatellite.
Coding change: c.3730AAG[1] on transcript NM_013275.6 (MANE Select); one copy of the 3-base unit AAG starting at c.3730; the reference has two copies in a row; one copy, 3 bases deleted.
Protein change: p.Lys1245del; deletes lysine 1245.
Molecular consequence: inframe deletion.
Genome position (GRCh38, 1-based): chr16:89,282,807-89,282,809, CTT deleted on the plus strand (AAG on the coding strand, the reverse complement: ANKRD11 is on the minus strand); deleting any 3 consecutive bases within chr16:89,282,807-89,282,812 gives the same sequence; the position shown is the placement nearest the transcript's 3' end. VCF-style (leftmost placement, unchanged base first): chr16-89282806-GCTT-G. GRCh37 (hg19) VCF-style: chr16-89349214-GCTT-G.
Other names: c.3730AAG[1], p.Lys1245del (NM_001256182.2, NM_001256183.2); short protein forms K1245del.
Identifiers: ClinVar variation 4742848 (VCV004742848.1).

ClinVar aggregate classification (germline): Uncertain significance (1 of 4 stars; one submission).

Conditions:
KBG syndrome (KBGS). Also called: ANKRD11-Related KBG Syndrome. Identifiers: Orphanet 2332, MedGen C0220687, MONDO:0007846, OMIM 148050.

Submission:

Labcorp Genetics (formerly Invitae), Labcorp
Classification: Uncertain significance for KBG syndrome. Last evaluated: 2025-07-30. Review status: criteria provided, single submitter. Criteria: Invitae Variant Classification Sherloc (09022015). Collection method: clinical testing. Allele origin: germline.
Comment: This variant, c.3733_3735del, results in the deletion of 1 amino acid(s) of the ANKRD11 protein (p.Lys1245del), but otherwise preserves the integrity of the reading frame. This variant is present in population databases (rs745963085, gnomAD 0.02%). This variant has not been reported in the literature in individuals affected with ANKRD11-related conditions. Experimental studies and prediction algorithms are not available or were not evaluated, and the functional significance of this variant is currently unknown. In summary, the available evidence is currently insufficient to determine the role of this variant in disease. Therefore, it has been classified as a Variant of Uncertain Significance.